The following is an entry in ClinVar:

ClinVar aggregate classification (germline): Likely benign. Review status: criteria provided, multiple submitters, no conflicts (2 of 4 stars). 4 submissions from 4 submitters: Likely benign (3). 1 of the submissions does not count toward it. Last evaluated 2026-04-01.

Conditions:
FBN3-related disorder. Also called: FBN3-related condition.

Allele frequency attached by ClinVar (database versions not stated): gnomAD exomes 0.00066; ESP Exome Variant Server 0.00185; gnomAD 0.00204 and 0.00220; 1000 Genomes Project 0.00220; TOPMed 0.00238; 1000 Genomes Project 30x 0.00297.
gnomAD v4.1: 706 of 1,613,226 alleles (0.044%); highest among the groups gnomAD compares: African/African-American, 0.64%; 3 homozygotes.

Submissions (4):

CeGaT Center for Human Genetics Tuebingen
Classification: Likely benign. Last evaluated: 2026-04-01. Review status: criteria provided, single submitter. Criteria: CeGaT Center For Human Genetics Tuebingen Variant Classification Criteria Version 2. Collection method: clinical testing. Allele origin: germline. Affected: yes. Observed: 2 variant alleles.
Comment: FBN3: BS2

Labcorp Genetics (formerly Invitae), Labcorp
Classification: Likely benign. Last evaluated: 2026-01-17. Review status: criteria provided, single submitter. Criteria: Invitae Variant Classification Sherloc (09022015). Collection method: clinical testing. Allele origin: germline.

Breakthrough Genomics
Classification: Likely benign. Review status: criteria provided, single submitter. Criteria: ACMG Guidelines, 2015. Collection method: not provided. Allele origin: germline. Inheritance: Unknown mechanism. Affected: yes.

PreventionGenetics, part of Exact Sciences
Classification: Likely benign for FBN3-related condition. Last evaluated: 2020-03-02. Review status: no assertion criteria provided. Collection method: clinical testing. Allele origin: germline. Not counted in ClinVar's aggregate classification.
Comment: This variant is classified as likely benign based on ACMG/AMP sequence variant interpretation guidelines (Richards et al. 2015 PMID: 25741868, with internal and published modifications).

NM_032447.5(FBN3):c.1783C>T (p.Arg595Cys)

Gene: FBN3 (fibrillin 3; minus strand). Cytogenetic location: 19p13.2.
Variant type: single nucleotide variant.
Coding change: c.1783C>T on transcript NM_032447.5 (MANE Select); coding-DNA position 1783, C replaced by T.
Protein change: p.Arg595Cys; replaces arginine 595 with cysteine.
Molecular consequence: missense variant.
Genome position (GRCh38, 1-based): chr19:8,131,761, G>A on the plus strand (C>T on the coding strand, the complement: FBN3 is on the minus strand). VCF-style: chr19-8131761-G-A. GRCh37 (hg19) VCF-style: chr19-8196645-G-A.
Other names: c.1783C>T (NM_001321431.1); c.1783C>T, p.Arg595Cys (NM_001321431.2); short protein forms R595C.
Identifiers: ClinVar variation 720777 (VCV000720777.34), dbSNP rs61729592, ClinGen allele CA9153155.